The following is an entry in ClinVar:

ClinVar aggregate classification (germline): Uncertain significance (1 of 4 stars; one submission).

Conditions:
Nephronophthisis 16 (NPHP16). Identifiers: Orphanet 655, MedGen C3809320, MONDO:0014158, OMIM 615382.

Submission:

Labcorp Genetics (formerly Invitae), Labcorp
Classification: Uncertain significance for Nephronophthisis 16. Last evaluated: 2022-02-22. Review status: criteria provided, single submitter. Criteria: Invitae Variant Classification Sherloc (09022015). Collection method: clinical testing. Allele origin: germline.
Comment: In summary, the available evidence is currently insufficient to determine the role of this variant in disease. Therefore, it has been classified as a Variant of Uncertain Significance. Algorithms developed to predict the effect of missense changes on protein structure and function output the following: SIFT: "Tolerated"; PolyPhen-2: "Benign"; Align-GVGD: "Class C0". The aspartic acid amino acid residue is found in multiple mammalian species, which suggests that this missense change does not adversely affect protein function. This variant has not been reported in the literature in individuals affected with ANKS6-related conditions. This variant is not present in population databases (gnomAD no frequency). This sequence change replaces glutamic acid, which is acidic and polar, with aspartic acid, which is acidic and polar, at codon 212 of the ANKS6 protein (p.Glu212Asp).

NM_173551.5(ANKS6):c.636G>T (p.Glu212Asp)

Gene: ANKS6 (ankyrin repeat and sterile alpha motif domain containing 6; minus strand). Cytogenetic location: 9q22.33.
Variant type: single nucleotide variant.
Coding change: c.636G>T on transcript NM_173551.5 (MANE Select); coding-DNA position 636, G replaced by T.
Protein change: p.Glu212Asp; replaces glutamic acid 212 with aspartic acid.
Molecular consequence: missense variant.
Genome position (GRCh38, 1-based): chr9:98,790,330, C>A on the plus strand (G>T on the coding strand, the complement: ANKS6 is on the minus strand). VCF-style: chr9-98790330-C-A. GRCh37 (hg19) VCF-style: chr9-101552612-C-A.
Other names: short protein forms E212D.
Identifiers: ClinVar variation 2102094 (VCV002102094.4), dbSNP rs2490423696, ClinGen allele CA374218744.
Genomic context (GRCh38, chr9:98,790,330, plus strand): 5'-GGCCAGCATCAGCGGGCTCCAGCCCACGGTCCGGGCTGCGTGGTTGGGGTCCGCGCCCCA[C>A]TCCATCAGTAGACGCACCACGGCCTCGTGCCCGTGCTGGATGGCAGCCATCAGGGCTGTG-3'
Protein context (NP_775822.3, residues 202-222): GHEAVVRLLM[Glu212Asp]WGADPNHAAR